The following is an entry in ClinVar:

ClinVar aggregate classification (germline): Uncertain significance (1 of 4 stars; one submission).

Conditions:
HECTD4-related disorder. Also called: HECTD4-related condition.

Allele frequency attached by ClinVar (database versions not stated): gnomAD exomes below 0.00001.
gnomAD v4.1: 1 of 1,613,944 alleles (0.000062%); highest among the groups gnomAD compares: Non-Finnish European, 0.000085%; no homozygotes.

Submission:

PreventionGenetics, part of Exact Sciences
Classification: Uncertain significance for HECTD4-related condition. Last evaluated: 2025-12-18. Review status: criteria provided, single submitter. Criteria: ACMG Guidelines, 2015. Collection method: clinical testing. Allele origin: germline.
Comment: The HECTD4 c.7424G>A variant is predicted to result in the amino acid substitution p.Gly2475Glu. To our knowledge, this variant has not been reported in the literature or in a large population database (gnomAD), indicating this variant is rare. At this time, the clinical significance of this variant is uncertain due to the absence of conclusive functional and genetic evidence.

NM_001388303.1(HECTD4):c.7826G>A (p.Gly2609Glu)

Gene: HECTD4 (HECT domain E3 ubiquitin protein ligase 4; minus strand). Cytogenetic location: 12q24.13.
Variant type: single nucleotide variant.
Coding change: c.7826G>A on transcript NM_001388303.1 (MANE Select); coding-DNA position 7826, G replaced by A.
Protein change: p.Gly2609Glu; replaces glycine 2609 with glutamic acid.
Molecular consequence: missense variant.
Genome position (GRCh38, 1-based): chr12:112,210,056, C>T on the plus strand (G>A on the coding strand, the complement: HECTD4 is on the minus strand). VCF-style: chr12-112210056-C-T. GRCh37 (hg19) VCF-style: chr12-112647860-C-T.
Other names: c.7856G>A, p.Gly2619Glu (NM_001109662.4); short protein forms G2609E, G2619E.
Identifiers: ClinVar variation 2630947 (VCV002630947.2), dbSNP rs2499838102, ClinGen allele CA386782042.